The following is an entry in ClinVar:

NM_015898.4(ZBTB7A):c.261G>C (p.Ala87=)

Gene: ZBTB7A (zinc finger and BTB domain containing 7A; minus strand). Cytogenetic location: 19p13.3.
Variant type: single nucleotide variant.
Coding change: c.261G>C on transcript NM_015898.4 (MANE Select); coding-DNA position 261, G replaced by C.
Protein change: p.Ala87=; no amino-acid change (alanine 87 retained).
Molecular consequence: synonymous variant.
Genome position (GRCh38, 1-based): chr19:4,054,972, C>G on the plus strand (G>C on the coding strand, the complement: ZBTB7A is on the minus strand). VCF-style: chr19-4054972-C-G. GRCh37 (hg19) VCF-style: chr19-4054970-C-G.
Other names: c.261G>C, p.Ala87= (NM_001317990.2).
Identifiers: ClinVar variation 5038985 (VCV005038985.1).

ClinVar aggregate classification (germline): Likely benign (1 of 4 stars; one submission).

gnomAD v4.1: 31 of 1,612,034 alleles (0.0019%); highest among the groups gnomAD compares: South Asian, 0.019%; 1 homozygote.

Submission:

CeGaT Center for Human Genetics Tuebingen
Classification: Likely benign. Last evaluated: 2026-08-01. Review status: criteria provided, single submitter. Criteria: CeGaT Center For Human Genetics Tuebingen Variant Classification Criteria Version 2. Collection method: clinical testing. Allele origin: germline. Affected: yes. Observed: 1 variant allele.
Comment: ZBTB7A: BP4, BP7